The following is an entry in ClinVar:

NM_006080.3(SEMA3A):c.298A>G (p.Arg100Gly)

Gene: SEMA3A (semaphorin 3A; minus strand). Cytogenetic location: 7q21.11.
Variant type: single nucleotide variant.
Coding change: c.298A>G on transcript NM_006080.3 (MANE Select); coding-DNA position 298, A replaced by G.
Protein change: p.Arg100Gly; replaces arginine 100 with glycine.
Molecular consequence: missense variant.
Genome position (GRCh38, 1-based): chr7:84,129,158, T>C on the plus strand (A>G on the coding strand, the complement: SEMA3A is on the minus strand). VCF-style: chr7-84129158-T-C. GRCh37 (hg19) VCF-style: chr7-83758474-T-C.
Other names: short protein forms R100G.
Identifiers: ClinVar variation 4983746 (VCV004983746.1).
Genomic context (GRCh38, chr7:84,129,158, plus strand): 5'-AATAATTTAGTAGGTTAATGCTTACCAGGATGTCTTTTCCAGCCCACTTGCATTCATCTC[T>C]TCTGGTGTAAGATACTGGCCACACAATCTAAGGACAGAGAATAAACATTGTTTTATGTCA-3'
Protein context (NP_006071.1, residues 90-110): KIVWPVSYTR[Arg100Gly]DECKWAGKDI

ClinVar aggregate classification (germline): Uncertain significance (1 of 4 stars; one submission).

Conditions:
SEMA3A-related disorder. Also called: SEMA3A-related condition.

gnomAD v4.1: 1 of 1,612,594 alleles (0.000062%); highest among the groups gnomAD compares: Admixed American, 0.0017%; no homozygotes.

Submission:

PreventionGenetics, part of Exact Sciences
Classification: Uncertain significance for SEMA3A-related condition. Last evaluated: 2025-04-10. Review status: criteria provided, single submitter. Criteria: ACMG Guidelines, 2015. Collection method: clinical testing. Allele origin: germline.
Comment: The SEMA3A c.298A>G variant is predicted to result in the amino acid substitution p.Arg100Gly. To our knowledge, this variant has not been reported in the literature or in a large population database (gnomAD), indicating this variant is rare. At this time, the clinical significance of this variant is uncertain due to the absence of conclusive functional and genetic evidence.